The following is an entry in ClinVar:

NM_003242.6(TGFBR2):c.1490G>A (p.Arg497Gln)

Gene: TGFBR2 (transforming growth factor beta receptor 2; plus strand). Cytogenetic location: 3p24.1.
Variant type: single nucleotide variant.
Coding change: c.1490G>A on transcript NM_003242.6 (MANE Select); coding-DNA position 1490, G replaced by A.
Protein change: p.Arg497Gln; replaces arginine 497 with glutamine.
Molecular consequence: missense variant.
Genome position (GRCh38, 1-based): chr3:30,688,477, G>A. VCF-style: chr3-30688477-G-A. GRCh37 (hg19) VCF-style: chr3-30729969-G-A.
Other names: c.1565G>A, p.Arg522Gln (NM_001024847.3); c.1673G>A, p.Arg558Gln (NM_001407126.1); c.1598G>A, p.Arg533Gln (NM_001407127.1); c.1517G>A, p.Arg506Gln (NM_001407128.1); c.1493G>A, p.Arg498Gln (NM_001407129.1); c.1487G>A, p.Arg496Gln (NM_001407130.1); c.1385G>A, p.Arg462Gln (NM_001407132.1, NM_001407133.1, NM_001407134.1 and 2 more transcripts); c.1205G>A, p.Arg402Gln (NM_001407137.1); and 2 more; short protein forms R497Q, R522Q, R402Q, R498Q, R496Q, R207Q, R377Q, R462Q.
Identifiers: ClinVar variation 1202728 (VCV001202728.43), dbSNP rs200958264, ClinGen allele CA046720.

ClinVar aggregate classification (germline): Conflicting classifications of pathogenicity. Review status: criteria provided, conflicting classifications (1 of 4 stars). 6 submissions from 6 submitters: Likely pathogenic (1); Uncertain significance (5). Last evaluated 2024-11-29.

Conditions:
Loeys-Dietz syndrome 2 (LDS2). Also called: AORTIC ANEURYSM, FAMILIAL THORACIC 3; MARFAN SYNDROME, TYPE II; Marfan syndrome, type 2 (formerly); TGFBR2-Related Loeys-Dietz Syndrome; Marfan Syndrome type 2; Marfan like connective tissue disorder. Identifiers: Orphanet 284973, Orphanet 558, MedGen C2674574, MONDO:0012427, OMIM 610168.
Malignant tumor of esophagus. Also called: Esophageal cancer; Esophageal cancer, somatic. Identifiers: Orphanet 99977, MedGen C0546837, MONDO:0007576, OMIM 133239.
Colorectal cancer, hereditary nonpolyposis, type 6. Also called: Colon cancer, hereditary nonpolyposis, type 6; Colon cancer, hereditary nonpolyposis, type 6, somatic. Identifiers: Orphanet 144, MedGen C1860896, MONDO:0013695, OMIM 614331.
Familial thoracic aortic aneurysm and aortic dissection (TAAD). Also called: Thoracic aortic aneurysms and dissections. Identifiers: Orphanet 91387, MedGen C4707243, MONDO:0019625.

Allele frequency attached by ClinVar (database versions not stated): gnomAD exomes below 0.00001; ExAC 0.00001; TOPMed 0.00001; 1000 Genomes Project 30x 0.00016; 1000 Genomes Project 0.00020.
gnomAD v4.1: 13 of 1,614,230 alleles (0.00081%); highest among the groups gnomAD compares: East Asian, 0.0022%; no homozygotes.

Submissions (6):

Ambry Genetics
Classification: Uncertain significance for Familial thoracic aortic aneurysm and aortic dissection. Last evaluated: 2024-11-29. Review status: criteria provided, single submitter. Criteria: Ambry Variant Classification Scheme 2023. Collection method: clinical testing. Allele origin: germline.
Comment: The p.R497Q variant (also known as c.1490G>A), located in coding exon 6 of the TGFBR2 gene, results from a G to A substitution at nucleotide position 1490. The arginine at codon 497 is replaced by glutamine, an amino acid with highly similar properties. This variant (also referred to as NM_001024847.2:c.1565G>A, p.R522Q) was reported in individual(s) with features consistent with thoracic aortic aneurysm or dissection (Overwater E et al. Hum Mutat, 2018 Sep;39:1173-1192). This amino acid position is highly conserved in available vertebrate species. In addition, this alteration is predicted to be deleterious by in silico analysis. Based on the available evidence, the clinical significance of this variant remains unclear.

Labcorp Genetics (formerly Invitae), Labcorp
Classification: Uncertain significance for Familial thoracic aortic aneurysm and aortic dissection. Last evaluated: 2024-07-27. Review status: criteria provided, single submitter. Criteria: Invitae Variant Classification Sherloc (09022015). Collection method: clinical testing. Allele origin: germline.
Comment: This sequence change replaces arginine, which is basic and polar, with glutamine, which is neutral and polar, at codon 497 of the TGFBR2 protein (p.Arg497Gln). This variant is present in population databases (rs200958264, gnomAD 0.007%). This missense change has been observed in individual(s) with clinical features of TGFBR2-related conditions (PMID: 29907982). This variant is also known as c.1565G>A, p.Arg522Gln. ClinVar contains an entry for this variant (Variation ID: 1202728). Advanced modeling of protein sequence and biophysical properties (such as structural, functional, and spatial information, amino acid conservation, physicochemical variation, residue mobility, and thermodynamic stability) performed at Invitae indicates that this missense variant is expected to disrupt TGFBR2 protein function with a positive predictive value of 95%. In summary, the available evidence is currently insufficient to determine the role of this variant in disease. Therefore, it has been classified as a Variant of Uncertain Significance.

All of Us Research Program, National Institutes of Health
Classification: Uncertain significance for Loeys-Dietz syndrome 2. Last evaluated: 2024-03-24. Review status: criteria provided, single submitter. Criteria: ACMG Guidelines, 2015. Collection method: clinical testing. Allele origin: germline. Inheritance: Autosomal dominant inheritance. Observed: 1 variant allele, 1 heterozygote.
Comment: This missense variant replaces arginine with glutamine at codon 497 of the TGFBR2 protein. Computational prediction is inconclusive regarding the impact of this variant on protein structure and function (internally defined REVEL score threshold 0.5 < inconclusive < 0.7, PMID: 27666373). To our knowledge, functional studies have not been reported for this variant. This variant has not been reported in individuals affected with TGFBR2-related disorders in the literature. This variant has been identified in 1/251120 chromosomes in the general population by the Genome Aggregation Database (gnomAD). The available evidence is insufficient to determine the role of this variant in disease conclusively. Therefore, this variant is classified as a Variant of Uncertain Significance.

This study involves interpretation of variants in research participants for the purpose of population health screening. Participant phenotype was not available at the time of variant classification. Additional details can be found in publication PMID: 35346344, PMCID: PMC8962531

CeGaT Center for Human Genetics Tuebingen
Classification: Uncertain significance. Last evaluated: 2022-03-01. Review status: criteria provided, single submitter. Criteria: CeGaT Center For Human Genetics Tuebingen Variant Classification Criteria Version 2. Collection method: clinical testing. Allele origin: germline. Affected: yes. Observed: 2 variant alleles.
Comment: TGFBR2: PP3

GeneDx
Classification: Uncertain significance. Last evaluated: 2021-03-11. Review status: criteria provided, single submitter. Criteria: GeneDx Variant Classification Process June 2021. Collection method: clinical testing. Allele origin: germline. Affected: yes.
Comment: Not observed at a significant frequency in large population cohorts (Lek et al., 2016); In silico analysis supports that this missense variant has a deleterious effect on protein structure/function; Reported in a patient with an ascending aortic aneurysm in published literature (Overwater et al., 2018); please note that this variant is referred to as, c.1565G>A, p.Arg522Gln, by Overwater et al. using alternate nomenclature; This variant is associated with the following publications: (PMID: 29907982)

Molecular Genetics Lab, CHRU Brest
Classification: Likely pathogenic for Colorectal cancer, hereditary nonpolyposis, type 6; Loeys-Dietz syndrome 2; Malignant tumor of esophagus. Review status: criteria provided, single submitter. Criteria: ACMG Guidelines, 2015. Collection method: clinical testing. Allele origin: paternal. Affected: yes.

Literature cited by the submitters: PubMed 29907982 (cited by Ambry Genetics and Labcorp Genetics (formerly Invitae), Labcorp).